The following is an entry in ClinVar:

NM_000051.4(ATM):c.4110-3T>C

Gene: ATM (ATM serine/threonine kinase; plus strand). Cytogenetic location: 11q22.3.
Variant type: single nucleotide variant.
Coding change: c.4110-3T>C on transcript NM_000051.4 (MANE Select); 3 bases into the intron before coding-DNA position 4110, T replaced by C.
Molecular consequence: intron variant.
Genome position (GRCh38, 1-based): chr11:108,288,974, T>C. VCF-style: chr11-108288974-T-C. GRCh37 (hg19) VCF-style: chr11-108159701-T-C.
Other names: c.4110-3T>C (NM_001351834.2).
Identifiers: ClinVar variation 2086992 (VCV002086992.4), dbSNP rs2135750239, ClinGen allele CA2580083201.
Genomic context (GRCh38, chr11:108,288,974, plus strand): 5'-TCACTGGTCTATGAACAAAACTTTTTAAAACGATGACTGTATTTTTTCCCTTAACTCTGT[T>C]AGGGATTTGGATCCTGCTCCTAATCCACCTCATTTTCCATCGCATGTGATTAAAGCAACA-3'

ClinVar aggregate classification (germline): Uncertain significance (1 of 4 stars; one submission).

Conditions:
Ataxia-telangiectasia syndrome (AT). Also called: Cerebello-oculocutaneous telangiectasia; Immunodeficiency with ataxia telangiectasia; AT, COMPLEMENTATION GROUP C; Ataxia-telangiectasia; Ataxia-telangiectasia, complementation group E; Ataxia telangiectasia (A-T). Identifiers: Orphanet 100, MedGen C0004135, MONDO:0008840, OMIM 208900.

Submission:

Labcorp Genetics (formerly Invitae), Labcorp
Classification: Uncertain significance for Ataxia-telangiectasia syndrome. Last evaluated: 2022-01-17. Review status: criteria provided, single submitter. Criteria: Invitae Variant Classification Sherloc (09022015). Collection method: clinical testing. Allele origin: germline.
Comment: This sequence change falls in intron 27 of the ATM gene. It does not directly change the encoded amino acid sequence of the ATM protein. It affects a nucleotide within the consensus splice site. This variant is not present in population databases (gnomAD no frequency). This variant has not been reported in the literature in individuals affected with ATM-related conditions. Variants that disrupt the consensus splice site are a relatively common cause of aberrant splicing (PMID: 17576681, 9536098). Algorithms developed to predict the effect of sequence changes on RNA splicing suggest that this variant is not likely to affect RNA splicing. In summary, the available evidence is currently insufficient to determine the role of this variant in disease. Therefore, it has been classified as a Variant of Uncertain Significance.

Literature cited by the submitters: PubMed 17576681; PubMed 9536098.